The following is an entry in ClinVar:

NM_000222.3(KIT):c.2560T>G (p.Ser854Ala)

Gene: KIT (KIT proto-oncogene, receptor tyrosine kinase; plus strand). Cytogenetic location: 4q12.
Variant type: single nucleotide variant.
Coding change: c.2560T>G on transcript NM_000222.3 (MANE Select); coding-DNA position 2560, T replaced by G.
Protein change: p.Ser854Ala; replaces serine 854 with alanine.
Molecular consequence: missense variant.
Genome position (GRCh38, 1-based): chr4:54,736,573, T>G. VCF-style: chr4-54736573-T-G. GRCh37 (hg19) VCF-style: chr4-55602739-T-G.
Other names: c.2548T>G, p.Ser850Ala (NM_001093772.2, NM_001385292.1); c.2563T>G, p.Ser855Ala (NM_001385284.1); c.2557T>G, p.Ser853Ala (NM_001385285.1); c.2545T>G, p.Ser849Ala (NM_001385286.1); c.2551T>G, p.Ser851Ala (NM_001385288.1); c.2560T>G, p.Ser854Ala (NM_001385290.1); short protein forms S849A, S850A, S853A, S854A, S855A, S851A.
Identifiers: ClinVar variation 2793761 (VCV002793761.3), dbSNP rs2109811478, ClinGen allele CA356913287.

ClinVar aggregate classification (germline): Uncertain significance (1 of 4 stars; one submission).

Conditions:
Gastrointestinal stromal tumor. Also called: Gastrointestinal stromal tumor, somatic; Gastrointestinal stroma tumor. Identifiers: Orphanet 44890, MedGen C0238198, MeSH D046152, MONDO:0011719, OMIM 606764, HP:0100723.

Submission:

Labcorp Genetics (formerly Invitae), Labcorp
Classification: Uncertain significance for Gastrointestinal stromal tumor. Last evaluated: 2023-10-04. Review status: criteria provided, single submitter. Criteria: Invitae Variant Classification Sherloc (09022015). Collection method: clinical testing. Allele origin: germline.
Comment: This sequence change replaces serine, which is neutral and polar, with alanine, which is neutral and non-polar, at codon 854 of the KIT protein (p.Ser854Ala). This variant is not present in population databases (gnomAD no frequency). This variant has not been reported in the literature in individuals affected with KIT-related conditions. An algorithm developed to predict the effect of missense changes on protein structure and function (PolyPhen-2) suggests that this variant is likely to be disruptive. In summary, the available evidence is currently insufficient to determine the role of this variant in disease. Therefore, it has been classified as a Variant of Uncertain Significance.